The following is an entry in ClinVar:

NM_000206.3(IL2RG):c.485T>G (p.Leu162Arg)

Gene: IL2RG (interleukin 2 receptor subunit gamma; minus strand). Cytogenetic location: Xq13.1.
Variant type: single nucleotide variant.
Coding change: c.485T>G on transcript NM_000206.3 (MANE Select); coding-DNA position 485, T replaced by G.
Protein change: p.Leu162Arg; replaces leucine 162 with arginine.
Molecular consequence: missense variant.
Genome position (GRCh38, 1-based): chrX:71,110,265, A>C on the plus strand (T>G on the coding strand, the complement: IL2RG is on the minus strand). VCF-style: chrX-71110265-A-C. GRCh37 (hg19) VCF-style: chrX-70330115-A-C.
Other names: short protein forms L162R.
Identifiers: ClinVar variation 962508 (VCV000962508.10), dbSNP rs2092260648, ClinGen allele CA413496443.

ClinVar aggregate classification (germline): Likely pathogenic. Review status: criteria provided, multiple submitters, no conflicts (2 of 4 stars). 2 submissions from 2 submitters: Likely pathogenic (2). Last evaluated 2019-09-27.

Conditions:
X-linked severe combined immunodeficiency (SCIDX1). Also called: IMMUNODEFICIENCY 4; SCID, X-LINKED; SEVERE COMBINED IMMUNODEFICIENCY, X-LINKED, T CELL-NEGATIVE, B CELL-POSITIVE, NK CELL-NEGATIVE; T-B+ severe combined immunodeficiency due to gamma chain deficiency; X-Linked Combined Immunodeficiency Diseases. Identifiers: Orphanet 276, MedGen C6022468, MONDO:0010315, OMIM 300400. Disease mechanism: loss of function.
IL2RG-related disorders.

Submissions (2):

Labcorp Genetics (formerly Invitae), Labcorp
Classification: Likely pathogenic for X-linked severe combined immunodeficiency. Last evaluated: 2019-09-27. Review status: criteria provided, single submitter. Criteria: Invitae Variant Classification Sherloc (09022015). Collection method: clinical testing. Allele origin: germline.
Comment: In summary, the currently available evidence indicates that the variant is pathogenic, but additional data are needed to prove that conclusively. Therefore, this variant has been classified as Likely Pathogenic. Algorithms developed to predict the effect of missense changes on protein structure and function (SIFT, PolyPhen-2, Align-GVGD) all suggest that this variant is likely to be disruptive, but these predictions have not been confirmed by published functional studies and their clinical significance is uncertain. This variant has been observed in several individuals affected with X-linked severe combined immunodeficiency (PMID: 9633906, 10794431, Invitae). This variant is not present in population databases (ExAC no frequency). This sequence change replaces leucine with arginine at codon 162 of the IL2RG protein (p.Leu162Arg). The leucine residue is moderately conserved and there is a moderate physicochemical difference between leucine and arginine.

Blueprint Genetics
Classification: Likely pathogenic for IL2RG-related disorders. Last evaluated: 2019-08-06. Review status: criteria provided, single submitter. Criteria: ACMG Guidelines, 2015. Collection method: clinical testing. Allele origin: germline. Affected: yes. Observed: 1 variant allele.

Literature cited by the submitters: PubMed 9633906 (cited by Labcorp Genetics (formerly Invitae), Labcorp); PubMed 10794431 (cited by Labcorp Genetics (formerly Invitae), Labcorp).